The following is an entry in ClinVar:

ClinVar aggregate classification (germline): Uncertain significance (1 of 4 stars; one submission).

Conditions:
Developmental and epileptic encephalopathy, 32 (DEE32). Also called: Epileptic encephalopathy, early infantile, 32. Identifiers: Orphanet 442835, MedGen C4225350, MONDO:0014607, OMIM 616366.

Submission:

Labcorp Genetics (formerly Invitae), Labcorp
Classification: Uncertain significance for Developmental and epileptic encephalopathy, 32. Last evaluated: 2022-11-16. Review status: criteria provided, single submitter. Criteria: Invitae Variant Classification Sherloc (09022015). Collection method: clinical testing. Allele origin: germline.
Comment: This sequence change replaces glutamic acid, which is acidic and polar, with aspartic acid, which is acidic and polar, at codon 124 of the KCNA2 protein (p.Glu124Asp). In summary, the available evidence is currently insufficient to determine the role of this variant in disease. Therefore, it has been classified as a Variant of Uncertain Significance. Advanced modeling of protein sequence and biophysical properties (such as structural, functional, and spatial information, amino acid conservation, physicochemical variation, residue mobility, and thermodynamic stability) performed at Invitae indicates that this missense variant is not expected to disrupt KCNA2 protein function. This variant has not been reported in the literature in individuals affected with KCNA2-related conditions. This variant is not present in population databases (gnomAD no frequency).

NM_004974.4(KCNA2):c.372G>C (p.Glu124Asp)

Gene: KCNA2 (potassium voltage-gated channel subfamily A member 2; minus strand). Cytogenetic location: 1p13.3.
Variant type: single nucleotide variant.
Coding change: c.372G>C on transcript NM_004974.4 (MANE Select); coding-DNA position 372, G replaced by C.
Protein change: p.Glu124Asp; replaces glutamic acid 124 with aspartic acid.
Molecular consequence: missense variant.
Genome position (GRCh38, 1-based): chr1:110,604,411, C>G on the plus strand (G>C on the coding strand, the complement: KCNA2 is on the minus strand). VCF-style: chr1-110604411-C-G. GRCh37 (hg19) VCF-style: chr1-111147033-C-G.
Other names: c.372G>C, p.Glu124Asp (NM_001204269.2); short protein forms E124D.
Identifiers: ClinVar variation 2786172 (VCV002786172.3), dbSNP rs200499541, ClinGen allele CA341605691.